The following is an entry in ClinVar:

NM_000061.3(BTK):c.1673_1680del (p.Lys558fs)

Gene: BTK (Bruton tyrosine kinase; minus strand). Cytogenetic location: Xq22.1.
Variant type: Deletion.
Coding change: c.1673_1680del on transcript NM_000061.3 (MANE Select); coding-DNA positions 1673 to 1680, 8 bases deleted (AATTTCCA; older notation c.1673_1680delAATTTCCA).
Protein change: p.Lys558fs; shifts the reading frame from lysine 558.
Molecular consequence: frameshift variant.
Genome position (GRCh38, 1-based): chrX:101,353,940-101,353,947, TGGAAATT deleted on the plus strand (AATTTCCA on the coding strand, the reverse complement: BTK is on the minus strand); deleting any 8 consecutive bases within chrX:101,353,940-101,353,951 gives the same sequence; the c. name uses the placement nearest the transcript's 3' end. VCF-style (leftmost placement, unchanged base first): chrX-101353939-CTGGAAATT-C. GRCh37 (hg19) VCF-style: chrX-100608927-CTGGAAATT-C.
Other names: c.1673_1680delAATTTCCA (NM_000061.2); c.1775_1782del, p.Lys592fs (NM_001287344.2); c.1145_1152del, p.Lys382fs (NM_001287345.2); short protein forms K382fs, K592fs, K558fs.
Identifiers: ClinVar variation 35759 (VCV000035759.3), dbSNP rs193922126, ClinGen allele CA260192.

ClinVar aggregate classification (germline): Likely pathogenic (1 of 4 stars; one submission).

Conditions:
X-linked agammaglobulinemia (XLA). Also called: Agammaglobulinemia, Bruton tyrosine kinase; Agammaglobulinemia, BTK; BTK-deficiency; Bruton's agammaglobulinemia; IMMUNODEFICIENCY 1; Bruton-type agammaglobulinemia. Identifiers: Orphanet 229717, Orphanet 47, MedGen C0221026, MONDO:0010421, OMIM 300755.

Submission:

Women's Health and Genetics/Laboratory Corporation of America, LabCorp
Classification: Likely pathogenic for X-linked Agammaglobulinemia. Last evaluated: 2011-08-18. Review status: criteria provided, single submitter. Criteria: LabCorp Variant Classification Summary - May 2015. Collection method: curation, clinical testing. Allele origin: germline. Inheritance: Xlinked unknown. Affected: yes.
ClinVar note: Converted during submission from likely pathogenic to Likely pathogenic.